The following is an entry in ClinVar:

ClinVar aggregate classification (germline): Likely benign (1 of 4 stars; one submission).

gnomAD v4.1: 400 of 1,609,950 alleles (0.025%); highest among the groups gnomAD compares: Middle Eastern, 0.33%; 2 homozygotes.

Submission:

CeGaT Center for Human Genetics Tuebingen
Classification: Likely benign. Last evaluated: 2026-02-01. Review status: criteria provided, single submitter. Criteria: CeGaT Center For Human Genetics Tuebingen Variant Classification Criteria Version 2. Collection method: clinical testing. Allele origin: germline. Affected: yes. Observed: 1 variant allele.
Comment: DST: BP4, BP7

NM_001374736.1(DST):c.11085C>T (p.Thr3695=)

Gene: DST (dystonin; minus strand). Cytogenetic location: 6p12.1.
Variant type: single nucleotide variant.
Coding change: c.11085C>T on transcript NM_001374736.1 (MANE Select); coding-DNA position 11085, C replaced by T.
Protein change: p.Thr3695=; no amino-acid change (threonine 3695 retained).
Molecular consequence: synonymous variant. On other transcripts: intron variant (6).
Genome position (GRCh38, 1-based): chr6:56,603,277, G>A on the plus strand (C>T on the coding strand, the complement: DST is on the minus strand). VCF-style: chr6-56603277-G-A. GRCh37 (hg19) VCF-style: chr6-56468075-G-A.
Other names: c.4651-3056C>T (NM_001374730.1, NM_001386100.1, NM_183380.4); c.3673-3056C>T (NM_015548.5); c.11085C>T, p.Thr3695= (NM_001374722.1); c.10452C>T, p.Thr3484= (NM_001374729.1); c.11112C>T, p.Thr3704= (NM_001374734.1); c.5185-3056C>T (NM_001144769.5); c.4771-3056C>T (NM_001144770.2).
Identifiers: ClinVar variation 4820740 (VCV004820740.4).